The following is an entry in ClinVar:

NM_000264.5(PTCH1):c.1729G>A (p.Ala577Thr)

Genes: PTCH1 (patched 1; minus strand), LOC100507346 (uncharacterized LOC100507346; plus strand). Cytogenetic location: 9q22.32.
Variant type: single nucleotide variant.
Coding change: c.1729G>A on transcript NM_000264.5 (MANE Select); coding-DNA position 1729, G replaced by A.
Protein change: p.Ala577Thr; replaces alanine 577 with threonine.
Molecular consequence: missense variant. On other transcripts: non-coding transcript variant (2).
Genome position (GRCh38, 1-based): chr9:95,469,931, C>T on the plus strand (G>A on the coding strand, the complement: PTCH1 is on the minus strand). VCF-style: chr9-95469931-C-T. GRCh37 (hg19) VCF-style: chr9-98232213-C-T.
Other names: c.1531G>A, p.Ala511Thr (NM_001083602.3); c.1726G>A, p.Ala576Thr (NM_001083603.3); c.1276G>A, p.Ala426Thr (NM_001083604.3, NM_001083605.3, NM_001083606.3 and 1 more transcripts); c.1573G>A, p.Ala525Thr (NM_001354918.2); short protein forms A511T, A577T, A525T, A576T, A426T.
Identifiers: ClinVar variation 453798 (VCV000453798.11), dbSNP rs1554695631, ClinGen allele CA374116477.

ClinVar aggregate classification (germline): Uncertain significance. Review status: criteria provided, multiple submitters, no conflicts (2 of 4 stars). 2 submissions from 2 submitters: Uncertain significance (2). Last evaluated 2019-12-05.

Conditions:
Hereditary cancer-predisposing syndrome. Also called: Tumor predisposition; Hereditary Cancer Syndrome; Neoplastic Syndromes, Hereditary; Hereditary neoplastic syndrome. Identifiers: Orphanet 140162, MedGen C0027672, MeSH D009386, MONDO:0015356.
Gorlin syndrome. Also called: Basal cell nevus syndrome; Nevoid Basal Cell Carcinoma Syndrome. Identifiers: Orphanet 377, MedGen C0004779, MONDO:0007187.

Submissions (2):

Ambry Genetics
Classification: Uncertain significance for Hereditary cancer-predisposing syndrome. Last evaluated: 2019-12-05. Review status: criteria provided, single submitter. Criteria: Ambry Variant Classification Scheme 2023. Collection method: clinical testing. Allele origin: germline.
Comment: The p.A577T variant (also known as c.1729G>A) is located in coding exon 13 of the PTCH1 gene. The alanine at codon 577 is replaced by threonine, an amino acid with similar properties. This change occurs in the first base pair of coding exon 13. In addition, this alteration is predicted to be deleterious by in silico analysis. Since supporting evidence is limited at this time, the clinical significance of this alteration remains unclear.

Labcorp Genetics (formerly Invitae), Labcorp
Classification: Uncertain significance for Gorlin syndrome. Last evaluated: 2018-03-11. Review status: criteria provided, single submitter. Criteria: Invitae Variant Classification Sherloc (09022015). Collection method: clinical testing. Allele origin: germline.
Comment: This variant has not been reported in the literature in individuals with PTCH1-related disease. ClinVar contains an entry for this variant (Variation ID: 453798). Algorithms developed to predict the effect of missense changes on protein structure and function (SIFT, PolyPhen-2, Align-GVGD) all suggest that this variant is likely to be tolerated, but these predictions have not been confirmed by published functional studies and their clinical significance is uncertain. In summary, the available evidence is currently insufficient to determine the role of this variant in disease. Therefore, it has been classified as a Variant of Uncertain Significance. This variant is not present in population databases (ExAC no frequency). This sequence change replaces alanine with threonine at codon 577 of the PTCH1 protein (p.Ala577Thr). The alanine residue is moderately conserved and there is a small physicochemical difference between alanine and threonine.